The following is an entry in ClinVar:

NM_001330078.2(NRXN1):c.11C>T (p.Ala4Val)

Gene: NRXN1 (neurexin 1; minus strand). Cytogenetic location: 2p16.3.
Variant type: single nucleotide variant.
Coding change: c.11C>T on transcript NM_001330078.2 (MANE Select); coding-DNA position 11, C replaced by T.
Protein change: p.Ala4Val; replaces alanine 4 with valine.
Molecular consequence: missense variant.
Genome position (GRCh38, 1-based): chr2:51,028,263, G>A on the plus strand (C>T on the coding strand, the complement: NRXN1 is on the minus strand). VCF-style: chr2-51028263-G-A. GRCh37 (hg19) VCF-style: chr2-51255401-G-A.
Other names: c.11C>T, p.Ala4Val (NM_001330087.2, NM_001330088.2, NM_001330089.2 and 15 more transcripts); short protein forms A4V.
Identifiers: ClinVar variation 658211 (VCV000658211.8), dbSNP rs1198368082, ClinGen allele CA346824887.

ClinVar aggregate classification (germline): Uncertain significance (1 of 4 stars; one submission).

Conditions:
Pitt-Hopkins-like syndrome 2 (PTHSL2). Identifiers: Orphanet 221150, Orphanet 600663, MedGen C3280479, MONDO:0013690, OMIM 614325.

Allele frequency attached by ClinVar (database versions not stated): gnomAD exomes 0.00001.
gnomAD v4.1: 11 of 1,449,912 alleles (0.00076%); highest among the groups gnomAD compares: Non-Finnish European, 0.00099%; no homozygotes.

Submission:

Labcorp Genetics (formerly Invitae), Labcorp
Classification: Uncertain significance for Pitt-Hopkins-like syndrome 2. Last evaluated: 2018-11-14. Review status: criteria provided, single submitter. Criteria: Invitae Variant Classification Sherloc (09022015). Collection method: clinical testing. Allele origin: germline.
Comment: The frequency data for this variant in the population databases is considered unreliable, as metrics indicate insufficient coverage at this position in the ExAC database. In summary, the available evidence is currently insufficient to determine the role of this variant in disease. Therefore, it has been classified as a Variant of Uncertain Significance. Algorithms developed to predict the effect of sequence changes on RNA splicing suggest that this variant may create or strengthen a splice site, but this prediction has not been confirmed by published transcriptional studies. Algorithms developed to predict the effect of missense changes on protein structure and function are either unavailable or do not agree on the potential impact of this missense change (SIFT: "Tolerated"; PolyPhen-2: "Probably Damaging"; Align-GVGD: "Class C0"). This variant has not been reported in the literature in individuals with NRXN1-related disease. This sequence change replaces alanine with valine at codon 4 of the NRXN1 protein (p.Ala4Val). The alanine residue is highly conserved and there is a small physicochemical difference between alanine and valine.